The following is an entry in ClinVar:

ClinVar aggregate classification (germline): Uncertain significance (1 of 4 stars; one submission).

gnomAD v4.1: 2 of 1,589,720 alleles (0.00013%); highest among the groups gnomAD compares: Non-Finnish European, 0.00017%; no homozygotes.

Submission:

GeneDx
Classification: Uncertain significance. Last evaluated: 2025-08-10. Review status: criteria provided, single submitter. Criteria: GeneDx Variant Classification Process June 2021. Collection method: clinical testing. Allele origin: germline. Affected: yes.
Comment: Not observed at significant frequency in large population cohorts (gnomAD); In silico analysis suggests that this missense variant does not alter protein structure/function; Has not been previously published as pathogenic or benign to our knowledge

NM_006005.3(WFS1):c.89C>T (p.Thr30Ile)

Gene: WFS1 (wolframin ER transmembrane glycoprotein; plus strand). Cytogenetic location: 4p16.1.
Variant type: single nucleotide variant.
Coding change: c.89C>T on transcript NM_006005.3 (MANE Select); coding-DNA position 89, C replaced by T.
Protein change: p.Thr30Ile; replaces threonine 30 with isoleucine.
Molecular consequence: missense variant.
Genome position (GRCh38, 1-based): chr4:6,277,544, C>T. VCF-style: chr4-6277544-C-T. GRCh37 (hg19) VCF-style: chr4-6279271-C-T.
Other names: c.89C>T, p.Thr30Ile (NM_001145853.1); short protein forms T30I.
Identifiers: ClinVar variation 4795565 (VCV004795565.1).